The following is an entry in ClinVar:

NM_022835.3(PLEKHG2):c.3938C>G (p.Thr1313Arg)

Gene: PLEKHG2 (pleckstrin homology and RhoGEF domain containing G2; plus strand). Cytogenetic location: 19q13.2.
Variant type: single nucleotide variant.
Coding change: c.3938C>G on transcript NM_022835.3 (MANE Select); coding-DNA position 3938, C replaced by G.
Protein change: p.Thr1313Arg; replaces threonine 1313 with arginine.
Molecular consequence: missense variant. On other transcripts: intron variant (2).
Genome position (GRCh38, 1-based): chr19:39,425,071, C>G. VCF-style: chr19-39425071-C-G. GRCh37 (hg19) VCF-style: chr19-39915711-C-G.
Other names: c.3573-167C>G (NM_001351693.2); c.1678-167C>G (NM_001351694.2); short protein forms T1313R.
Identifiers: ClinVar variation 1346456 (VCV001346456.8), dbSNP rs767068141, ClinGen allele CA9430091.
Genomic context (GRCh38, chr19:39,425,071, plus strand): 5'-GGCAGGGGCCTGGGGGAGGGGCCCCCGCAGCCTCCCGGGGCTCCTGGTCCTCTGCTCCCA[C>G]GTCACGGGCATCTTCGCCGCCCCCCCAGCCCCAGCCACCACCTCCCCCAGCCAGGCGGCT-3'
Protein context (NP_073746.2, residues 1303-1323): ASRGSWSSAP[Thr1313Arg]SRASSPPPQP

ClinVar aggregate classification (germline): Uncertain significance (1 of 4 stars; one submission).

Allele frequency attached by ClinVar (database versions not stated): gnomAD 0.00001; ExAC 0.00002.
gnomAD v4.1: 13 of 1,595,626 alleles (0.00081%); highest among the groups gnomAD compares: Non-Finnish European, 0.0011%; no homozygotes.

Submission:

Labcorp Genetics (formerly Invitae), Labcorp
Classification: Uncertain significance. Last evaluated: 2022-07-19. Review status: criteria provided, single submitter. Criteria: Invitae Variant Classification Sherloc (09022015). Collection method: clinical testing. Allele origin: germline.
Comment: ClinVar contains an entry for this variant (Variation ID: 1346456). This variant has not been reported in the literature in individuals affected with PLEKHG2-related conditions. This variant is present in population databases (rs767068141, gnomAD 0.002%). This sequence change replaces threonine, which is neutral and polar, with arginine, which is basic and polar, at codon 1313 of the PLEKHG2 protein (p.Thr1313Arg). In summary, the available evidence is currently insufficient to determine the role of this variant in disease. Therefore, it has been classified as a Variant of Uncertain Significance. Algorithms developed to predict the effect of sequence changes on RNA splicing suggest that this variant may create or strengthen a splice site. Algorithms developed to predict the effect of missense changes on protein structure and function are either unavailable or do not agree on the potential impact of this missense change (SIFT: "Deleterious"; PolyPhen-2: "Possibly Damaging"; Align-GVGD: "Class C15").